The following is an entry in ClinVar:

NM_000152.5(GAA):c.2100C>T (p.Thr700=)

Gene: GAA (alpha glucosidase; plus strand). Cytogenetic location: 17q25.3.
Variant type: single nucleotide variant.
Coding change: c.2100C>T on transcript NM_000152.5 (MANE Select); coding-DNA position 2100, C replaced by T.
Protein change: p.Thr700=; no amino-acid change (threonine 700 retained).
Molecular consequence: synonymous variant.
Genome position (GRCh38, 1-based): chr17:80,113,277, C>T. VCF-style: chr17-80113277-C-T. GRCh37 (hg19) VCF-style: chr17-78087076-C-T.
Other names: c.2100C>T (LRG_673t1); c.2100C>T, p.Thr700= (NM_001079803.3, NM_001079804.3).
Identifiers: ClinVar variation 513811 (VCV000513811.11), dbSNP rs199571088, ClinGen allele CA294897342.

ClinVar aggregate classification (germline): Likely benign. Review status: criteria provided, multiple submitters, no conflicts (2 of 4 stars). 3 submissions from 3 submitters: Likely benign (3). Last evaluated 2024-12-17.

Conditions:
Cardiovascular phenotype. Identifiers: MedGen CN230736.
Glycogen storage disease, type II (IOPD). Also called: CARDIOMEGALIA GLYCOGENICA DIFFUSA; ACID ALPHA-GLUCOSIDASE DEFICIENCY, INFANTILE-ONSET; GAA DEFICIENCY, INFANTILE-ONSET; ACID MALTASE DEFICIENCY, INFANTILE-ONSET; Glucosidase acid-1,4-alpha deficiency; Pompe Disease. Identifiers: Orphanet 365, MedGen C0017921, MONDO:0009290, OMIM 232300.

Allele frequency attached by ClinVar (database versions not stated): 1000 Genomes Project 30x 0.00016; 1000 Genomes Project 0.00020.
gnomAD v4.1: 5 of 1,601,276 alleles (0.00031%); highest among the groups gnomAD compares: East Asian, 0.0068%; no homozygotes.

Submissions (3):

Ambry Genetics
Classification: Likely benign for Cardiovascular phenotype. Last evaluated: 2024-12-17. Review status: criteria provided, single submitter. Criteria: Ambry Variant Classification Scheme 2023. Collection method: clinical testing. Allele origin: germline.

Labcorp Genetics (formerly Invitae), Labcorp
Classification: Likely benign for Glycogen storage disease, type II. Last evaluated: 2024-05-29. Review status: criteria provided, single submitter. Criteria: Invitae Variant Classification Sherloc (09022015). Collection method: clinical testing. Allele origin: germline.

GeneDx
Classification: Likely benign. Last evaluated: 2017-12-21. Review status: criteria provided, single submitter. Criteria: GeneDx Variant Classification (06012015). Collection method: clinical testing. Allele origin: germline. Affected: yes.
Comment: This variant is considered likely benign or benign based on one or more of the following criteria: it is a conservative change, it occurs at a poorly conserved position in the protein, it is predicted to be benign by multiple in silico algorithms, and/or has population frequency not consistent with disease.